The following is an entry in ClinVar:

ClinVar aggregate classification (germline): Likely benign. Review status: criteria provided, multiple submitters, no conflicts (2 of 4 stars). 4 submissions from 4 submitters: Likely benign (3). 1 of the submissions does not count toward it. Last evaluated 2025-05-01.

Conditions:
MTOR-related disorder. Also called: MTOR-related condition.

gnomAD v4.1: 8 of 1,614,062 alleles (0.0005%); highest among the groups gnomAD compares: Non-Finnish European, 0.00068%; no homozygotes.

Submissions (4):

CeGaT Center for Human Genetics Tuebingen
Classification: Likely benign. Last evaluated: 2025-05-01. Review status: criteria provided, single submitter. Criteria: CeGaT Center For Human Genetics Tuebingen Variant Classification Criteria Version 2. Collection method: clinical testing. Allele origin: germline. Affected: yes. Observed: 1 variant allele.
Comment: MTOR: BP4, BP7

Labcorp Genetics (formerly Invitae), Labcorp
Classification: Likely benign. Last evaluated: 2024-10-16. Review status: criteria provided, single submitter. Criteria: Invitae Variant Classification Sherloc (09022015). Collection method: clinical testing. Allele origin: germline.

Blueprint Genetics
Classification: Likely benign. Last evaluated: 2020-03-09. Review status: criteria provided, single submitter. Criteria: ACMG Guidelines, 2015. Collection method: clinical testing. Allele origin: germline.

PreventionGenetics, part of Exact Sciences
Classification: Likely benign for MTOR-related condition. Last evaluated: 2019-07-10. Review status: no assertion criteria provided. Collection method: clinical testing. Allele origin: germline. Not counted in ClinVar's aggregate classification.
Comment: This variant is classified as likely benign based on ACMG/AMP sequence variant interpretation guidelines (Richards et al. 2015 PMID: 25741868, with internal and published modifications).

NM_004958.4(MTOR):c.1047C>G (p.Pro349=)

Gene: MTOR (mechanistic target of rapamycin kinase; minus strand). Cytogenetic location: 1p36.22.
Variant type: single nucleotide variant.
Coding change: c.1047C>G on transcript NM_004958.4 (MANE Select); coding-DNA position 1047, C replaced by G.
Protein change: p.Pro349=; no amino-acid change (proline 349 retained).
Molecular consequence: synonymous variant. On other transcripts: 5 prime UTR variant (1).
Genome position (GRCh38, 1-based): chr1:11,247,888, G>C on the plus strand (C>G on the coding strand, the complement: MTOR is on the minus strand). VCF-style: chr1-11247888-G-C. GRCh37 (hg19) VCF-style: chr1-11307945-G-C.
Other names: c.1047C>G, p.Pro349= (NM_001386500.1); c.-93C>G (NM_001386501.1); c.1047C>G (NM_004958.3).
Identifiers: ClinVar variation 1078830 (VCV001078830.19), dbSNP rs759337056, ClinGen allele CA590824.